The following is an entry in ClinVar:

NM_000503.6(EYA1):c.692A>G (p.Asn231Ser)

Gene: EYA1 (EYA transcriptional coactivator and phosphatase 1; minus strand). Cytogenetic location: 8q13.3.
Variant type: single nucleotide variant.
Coding change: c.692A>G on transcript NM_000503.6 (MANE Select); coding-DNA position 692, A replaced by G.
Protein change: p.Asn231Ser; replaces asparagine 231 with serine.
Molecular consequence: missense variant.
Genome position (GRCh38, 1-based): chr8:71,299,181, T>C on the plus strand (A>G on the coding strand, the complement: EYA1 is on the minus strand). VCF-style: chr8-71299181-T-C. GRCh37 (hg19) VCF-style: chr8-72211416-T-C.
Other names: c.692A>G (NM_000503.4); c.674A>G, p.Asn225Ser (NM_001288574.2); c.326A>G, p.Asn109Ser (NM_001288575.2); c.779A>G, p.Asn260Ser (NM_001370333.1); c.692A>G, p.Asn231Ser (NM_001370334.1, NM_001370335.1, NM_172058.4); c.761A>G, p.Asn254Ser (NM_001370336.1); c.764A>G, p.Asn255Ser (NM_172059.5); short protein forms N260S, N109S, N254S, N225S, N231S, N255S.
Identifiers: ClinVar variation 929999 (VCV000929999.8), dbSNP rs1563422226, ClinGen allele CA371467357.
Genomic context (GRCh38, chr8:71,299,181, plus strand): 5'-GATGGTGTCGTTGGGCTGGTGTTGCTGCTGGTCATATAATGTGCTGGATACGGTGAGCTG[T>C]TATAATACTGTGCGTACTGACCCTGGCCAAAACTGGGATAAGACGGATAGTCCTACCAAA-3'
Protein context (NP_000494.2, residues 221-241): FGQGQYAQYY[Asn231Ser]SSPYPAHYMT

ClinVar aggregate classification (germline): Uncertain significance. Review status: criteria provided, multiple submitters, no conflicts (2 of 4 stars). 4 submissions from 4 submitters: Uncertain significance (4). Last evaluated 2025-03-01.

Conditions:
Melnick-Fraser syndrome (BOR). Also called: Branchiootorenal syndrome; Branchio-oto-renal syndrome; Branchiootorenal Syndrome (BORS). Identifiers: Orphanet 107, MedGen C0265234, MONDO:0007029.
Inborn genetic diseases. Identifiers: MedGen C0950123, MeSH D030342.
Branchiootorenal syndrome 1. Also called: Branchio-Oto-Renal Syndrome 1. Identifiers: Orphanet 107, MedGen C4551702, MONDO:0007236, OMIM 113650.
Branchiootic syndrome 1 (BOS1). Also called: BO SYNDROME 1; BRANCHIOOTIC DYSPLASIA. Identifiers: MedGen C1865143, MONDO:0011258, OMIM 602588.
Otofaciocervical syndrome 1 (OTFCS). Identifiers: MedGen C3714941, MONDO:0024532, OMIM 166780.

Allele frequency attached by ClinVar (database versions not stated): gnomAD 0.00003; TOPMed 0.00004.
gnomAD v4.1: 5 of 1,614,036 alleles (0.00031%); highest among the groups gnomAD compares: Admixed American, 0.0067%; no homozygotes.

Submissions (4):

Labcorp Genetics (formerly Invitae), Labcorp
Classification: Uncertain significance for Melnick-Fraser syndrome. Last evaluated: 2025-03-01. Review status: criteria provided, single submitter. Criteria: Invitae Variant Classification Sherloc (09022015). Collection method: clinical testing. Allele origin: germline.
Comment: This sequence change replaces asparagine, which is neutral and polar, with serine, which is neutral and polar, at codon 231 of the EYA1 protein (p.Asn231Ser). This variant is not present in population databases (gnomAD no frequency). This variant has not been reported in the literature in individuals affected with EYA1-related conditions. ClinVar contains an entry for this variant (Variation ID: 929999). Invitae Evidence Modeling of protein sequence and biophysical properties (such as structural, functional, and spatial information, amino acid conservation, physicochemical variation, residue mobility, and thermodynamic stability) indicates that this missense variant is not expected to disrupt EYA1 protein function with a negative predictive value of 95%. In summary, the available evidence is currently insufficient to determine the role of this variant in disease. Therefore, it has been classified as a Variant of Uncertain Significance.

Ambry Genetics
Classification: Uncertain significance for Inborn genetic diseases. Last evaluated: 2024-12-14. Review status: criteria provided, single submitter. Criteria: Ambry Variant Classification Scheme 2023. Collection method: clinical testing. Allele origin: germline.

Fulgent Genetics
Classification: Uncertain significance for Branchiootorenal syndrome 1; Otofaciocervical syndrome 1; Branchiootic syndrome 1. Last evaluated: 2024-03-14. Review status: criteria provided, single submitter. Criteria: ACMG Guidelines, 2015. Collection method: clinical testing. Allele origin: germline.

Laboratory for Molecular Medicine, Mass General Brigham Personalized Medicine
Classification: Uncertain significance. Last evaluated: 2019-11-18. Review status: criteria provided, single submitter. Criteria: LMM Criteria. Collection method: clinical testing. Allele origin: germline. Observed: 1 variant allele.
Comment: The p.Asn231Ser variant in EYA1 has not been previously reported in individuals with hearing loss and was absent from large population studies. Computational prediction tools and conservation analyses do not provide strong support for or against an impact to the protein. In summary, the clinical significance of this variant is uncertain. ACMG/AMP Criteria applied: PM2.